The following is an entry in ClinVar:

NM_000465.4(BARD1):c.403_404delinsTT (p.Asp135Phe)

Gene: BARD1 (BRCA1 associated RING domain 1; minus strand). Cytogenetic location: 2q35.
Variant type: Indel.
Coding change: c.403_404delinsTT on transcript NM_000465.4 (MANE Select); coding-DNA positions 403 to 404, GA replaced by TT.
Protein change: p.Asp135Phe; replaces aspartic acid 135 with phenylalanine.
Molecular consequence: missense variant. On other transcripts: non-coding transcript variant (2), intron variant (3).
Genome position (GRCh38, 1-based): chr2:214,781,470-214,781,471, TC replaced by AA on the plus strand (GA replaced by TT on the coding strand, the reverse complement: BARD1 is on the minus strand). VCF-style: chr2-214781470-TC-AA. GRCh37 (hg19) VCF-style: chr2-215646194-TC-AA.
Other names: c.346_347delinsTT, p.Asp116Phe (NM_001282543.2); c.158+27941_158+27942delinsTT (NM_001282548.2); c.215+15590_215+15591delinsTT (NM_001282545.2); c.364+10826_364+10827delinsTT (NM_001282549.2); short protein forms D135F, D116F.
Identifiers: ClinVar variation 1737198 (VCV001737198.7), dbSNP rs2469514035, ClinGen allele CA2580065712.
Genomic context (GRCh38, chr2:214,781,470, plus strand): 5'-CTGACTTTCTTACTTCGAGGGCTAAACCACATTTTAATTGAATTCTTCTTGTTTCCTGCA[TC>AA]ATTAAACAAACTTTTCCTAGGTTTATCTTCTTTCAAATCTGACAGAAAAAAAGAAAAAGA-3'
Protein context (NP_000456.2, residues 125-145): EDKPRKSLFN[Asp135Phe]AGNKKNSIKM

ClinVar aggregate classification (germline): Uncertain significance. Review status: criteria provided, multiple submitters, no conflicts (2 of 4 stars). 2 submissions from 2 submitters: Uncertain significance (2). Last evaluated 2023-06-20.

Conditions:
Hereditary cancer-predisposing syndrome. Also called: Neoplastic Syndromes, Hereditary; Tumor predisposition; Hereditary Cancer Syndrome; Hereditary neoplastic syndrome. Identifiers: Orphanet 140162, MedGen C0027672, MeSH D009386, MONDO:0015356.
Familial cancer of breast. Also called: BREAST CANCER, FAMILIAL; Hereditary breast cancer; hereditary breast carcinoma. Identifiers: Orphanet 227535, MedGen C0346153, MONDO:0016419, OMIM 114480. Disease mechanism: loss of function.

Submissions (2):

Labcorp Genetics (formerly Invitae), Labcorp
Classification: Uncertain significance for Familial cancer of breast. Last evaluated: 2023-06-20. Review status: criteria provided, single submitter. Criteria: Invitae Variant Classification Sherloc (09022015). Collection method: clinical testing. Allele origin: germline.
Comment: In summary, the available evidence is currently insufficient to determine the role of this variant in disease. Therefore, it has been classified as a Variant of Uncertain Significance. An algorithm developed to predict the effect of missense changes on protein structure and function (PolyPhen-2) suggests that this variant is likely to be disruptive. ClinVar contains an entry for this variant (Variation ID: 1737198). This variant has not been reported in the literature in individuals affected with BARD1-related conditions. Information on the frequency of this variant in the gnomAD database is not available, as this variant may be reported differently in the database. This sequence change replaces aspartic acid, which is acidic and polar, with phenylalanine, which is neutral and non-polar, at codon 135 of the BARD1 protein (p.Asp135Phe).

Ambry Genetics
Classification: Uncertain significance for Hereditary cancer-predisposing syndrome. Last evaluated: 2022-05-05. Review status: criteria provided, single submitter. Criteria: Ambry Variant Classification Scheme 2023. Collection method: clinical testing. Allele origin: germline.
Comment: The c.403_404delGAinsTT variant (also known as p.D135F), located in coding exon 4 of the BARD1 gene, results from an in-frame deletion of GA and insertion of TT at nucleotide positions 403 to 404. This results in the substitution of the aspartic acid residue for a phenylalanine residue at codon 135, an amino acid with highly dissimilar properties. This amino acid position is not well conserved in available vertebrate species. In addition, this alteration is predicted to be neutral by in silico analysis (Choi Y et al. PLoS ONE. 2012; 7(10):e46688). Since supporting evidence is limited at this time, the clinical significance of this alteration remains unclear.